The following is an entry in ClinVar:

ClinVar aggregate classification (germline): Benign/Likely benign. Review status: criteria provided, multiple submitters, no conflicts (2 of 4 stars). 6 submissions from 6 submitters: Benign (4); Likely benign (1). 1 of the submissions does not count toward it. Last evaluated 2026-01-08.

Conditions:
SNAP29-related disorder. Also called: SNAP29-related condition.
CEDNIK syndrome. Also called: Cerebral dysgenesis, neuropathy, ichthyosis, and palmoplantar keratoderma; CEREBRAL DYSGENESIS, NEUROPATHY, ICHTHYOSIS, AND PALMOPLANTAR KERATODERMA SYNDROME. Identifiers: Orphanet 66631, MedGen C1836033, MONDO:0012290, OMIM 609528.

Allele frequency attached by ClinVar (database versions not stated): gnomAD exomes 0.00081; ExAC 0.00108; 1000 Genomes Project 30x 0.00281; ESP Exome Variant Server 0.00312; gnomAD 0.00318 and 0.00342; 1000 Genomes Project 0.00339; TOPMed 0.00360.

Submissions (6):

Labcorp Genetics (formerly Invitae), Labcorp
Classification: Benign. Last evaluated: 2026-01-08. Review status: criteria provided, single submitter. Criteria: Invitae Variant Classification Sherloc (09022015). Collection method: clinical testing. Allele origin: germline.

Blueprint Genetics
Classification: Likely benign. Last evaluated: 2024-09-16. Review status: criteria provided, single submitter. Criteria: ACMG Guidelines, 2015. Collection method: clinical testing. Allele origin: germline.

CeGaT Center for Human Genetics Tuebingen
Classification: Benign. Last evaluated: 2023-05-01. Review status: criteria provided, single submitter. Criteria: CeGaT Center For Human Genetics Tuebingen Variant Classification Criteria Version 2. Collection method: clinical testing. Allele origin: germline. Affected: yes. Observed: 1 variant allele.
Comment: SNAP29: BP4, BP7, BS1, BS2

Mayo Clinic Laboratories, Mayo Clinic
Classification: Benign. Last evaluated: 2019-10-30. Review status: criteria provided, single submitter. Criteria: ACMG Guidelines, 2015. Collection method: clinical testing. Allele origin: germline. Observed: 4 variant alleles.

Illumina Laboratory Services, Illumina
Classification: Benign for CEDNIK syndrome. Last evaluated: 2018-01-13. Review status: criteria provided, single submitter. Criteria: ICSL Variant Classification Criteria 13 December 2019. Collection method: clinical testing. Allele origin: germline.
Comment: This variant was observed in the ICSL laboratory as part of a predisposition screen in an ostensibly healthy population. It had not been previously curated by ICSL or reported in the Human Gene Mutation Database (HGMD: prior to June 1st, 2018), and was therefore a candidate for classification through an automated scoring system. Utilizing variant allele frequency, disease prevalence and penetrance estimates, and inheritance mode, an automated score was calculated to assess if this variant is too frequent to cause the disease. Based on the score and internal cut-off values, a variant classified as benign is not then subjected to further curation. The score for this variant resulted in a classification of benign for this disease.

PreventionGenetics, part of Exact Sciences
Classification: Benign for SNAP29-related condition. Last evaluated: 2019-05-23. Review status: no assertion criteria provided. Collection method: clinical testing. Allele origin: germline. Not counted in ClinVar's aggregate classification.
Comment: This variant is classified as benign based on ACMG/AMP sequence variant interpretation guidelines (Richards et al. 2015 PMID: 25741868, with internal and published modifications).

NM_004782.4(SNAP29):c.72T>A (p.Pro24=)

Gene: SNAP29 (synaptosome associated protein 29; plus strand). Cytogenetic location: 22q11.21.
Variant type: single nucleotide variant.
Coding change: c.72T>A on transcript NM_004782.4 (MANE Select); coding-DNA position 72, T replaced by A.
Protein change: p.Pro24=; no amino-acid change (proline 24 retained).
Molecular consequence: synonymous variant.
Genome position (GRCh38, 1-based): chr22:20,859,182, T>A. VCF-style: chr22-20859182-T-A. GRCh37 (hg19) VCF-style: chr22-21213470-T-A.
Other names: p.Pro24=.
Identifiers: ClinVar variation 734948 (VCV000734948.40), dbSNP rs149837436, ClinGen allele CA10116999.